The following continues an entry in ClinVar:

NM_001267550.2(TTN):c.91573A>G (p.Ile30525Val)

ClinVar aggregate classification (germline): Benign/Likely benign. Benign (20); Likely benign (6).

Submissions 18 to 48 of 61:

Illumina Laboratory Services, Illumina
Classification: Benign for Tibial muscular dystrophy. Last evaluated: 2018-01-13. Review status: criteria provided, single submitter. Criteria: ICSL Variant Classification Criteria 13 December 2019. Collection method: clinical testing. Allele origin: germline.
Comment: This variant was observed in the ICSL laboratory as part of a predisposition screen in an ostensibly healthy population. It had not been previously curated by ICSL or reported in the Human Gene Mutation Database (HGMD: prior to June 1st, 2018), and was therefore a candidate for classification through an automated scoring system. Utilizing variant allele frequency, disease prevalence and penetrance estimates, and inheritance mode, an automated score was calculated to assess if this variant is too frequent to cause the disease. Based on the score and internal cut-off values, a variant classified as benign is not then subjected to further curation. The score for this variant resulted in a classification of benign for this disease.

Illumina Laboratory Services, Illumina
Classification: Likely benign for Autosomal recessive limb-girdle muscular dystrophy type 2J. Last evaluated: 2018-01-13. Review status: criteria provided, single submitter. Criteria: ICSL Variant Classification Criteria 13 December 2019. Collection method: clinical testing. Allele origin: germline.
Comment: This variant was observed in the ICSL laboratory as part of a predisposition screen in an ostensibly healthy population. It had not been previously curated by ICSL or reported in the Human Gene Mutation Database (HGMD: prior to June 1st, 2018), and was therefore a candidate for classification through an automated scoring system. Utilizing variant allele frequency, disease prevalence and penetrance estimates, and inheritance mode, an automated score was calculated to assess if this variant is too frequent to cause the disease. Based on the score and internal cut-off values, a variant classified as likely benign is not then subjected to further curation. The score for this variant resulted in a classification of likely benign for this disease.

Eurofins Ntd Llc (ga)
Classification: Benign. Last evaluated: 2015-06-10. Review status: criteria provided, single submitter. Criteria: EGL Classification Definitions 2015. Collection method: clinical testing. Allele origin: germline. Observed: 2 variant alleles, 1 heterozygote.

GeneDx
Classification: Benign. Last evaluated: 2015-04-02. Review status: criteria provided, single submitter. Criteria: GeneDx Variant Classification (06012015). Collection method: clinical testing. Allele origin: germline. Affected: yes.
Comment: This variant is considered likely benign or benign based on one or more of the following criteria: it is a conservative change, it occurs at a poorly conserved position in the protein, it is predicted to be benign by multiple in silico algorithms, and/or has population frequency not consistent with disease.

Genetic Services Laboratory, University of Chicago
Classification: Benign. Last evaluated: 2015-02-10. Review status: criteria provided, single submitter. Criteria: ACMG Guidelines, 2015. Collection method: clinical testing. Allele origin: germline.

Ambry Genetics
Classification: Benign for Cardiovascular phenotype. Last evaluated: 2013-10-07. Review status: criteria provided, single submitter. Criteria: Ambry Autosomal Dominant and X-Linked criteria (10/2015). Collection method: clinical testing. Allele origin: germline. Observed: 1 variant allele.

Laboratory for Molecular Medicine, Mass General Brigham Personalized Medicine
Classification: Benign. Last evaluated: 2012-03-20. Review status: criteria provided, single submitter. Criteria: LMM Criteria. Collection method: clinical testing. Allele origin: germline. Observed: 33 variant alleles.
Comment: Ile27957Val in exon 286 of TTN: This variant is not expected to have clinical si gnificance because it has been identified in 1.0% (67/6550) of European American chromosomes from a broad population by the NHLBI Exome Sequencing Project (dbSNP rs72648244).

Breakthrough Genomics
Classification: Likely benign. Review status: criteria provided, single submitter. Criteria: ACMG Guidelines, 2015. Collection method: not provided. Allele origin: germline. Inheritance: Autosomal recessive inheritance. Affected: yes.

PreventionGenetics, part of Exact Sciences
Classification: Benign. Review status: criteria provided, single submitter. Criteria: ACMG Guidelines, 2015. Collection method: clinical testing. Allele origin: germline.

Clinical Genetics DNA and cytogenetics Diagnostics Lab, Erasmus MC, Erasmus Medical Center
Classification: Benign. Review status: no assertion criteria provided. Collection method: clinical testing. Allele origin: germline. Affected: yes. Study: VKGL Data-share Consensus. Not counted in ClinVar's aggregate classification.

Clinical Genetics, Academic Medical Center
Classification: Benign. Review status: no assertion criteria provided. Collection method: clinical testing. Allele origin: germline. Affected: yes. Study: VKGL Data-share Consensus. Not counted in ClinVar's aggregate classification.

Diagnostic Laboratory, Department of Genetics, University Medical Center Groningen
Classification: Likely benign. Review status: no assertion criteria provided. Collection method: clinical testing. Allele origin: germline. Affected: yes. Study: VKGL Data-share Consensus. Not counted in ClinVar's aggregate classification.

Dr. Peter K. Rogan Lab, Western University
No classification provided (evidence only). Condition: Lung cancer. Review status: no classification provided. Collection method: in vitro. Allele origin: not applicable. Functional consequence: retained intron. Not counted in ClinVar's aggregate classification.

Dr. Peter K. Rogan Lab, Western University
No classification provided (evidence only). Condition: Lung cancer. Review status: no classification provided. Collection method: in vitro. Allele origin: not applicable. Functional consequence: retained intron. Not counted in ClinVar's aggregate classification.

Dr. Peter K. Rogan Lab, Western University
No classification provided (evidence only). Condition: Lung cancer. Review status: no classification provided. Collection method: in vitro. Allele origin: not applicable. Functional consequence: retained intron. Not counted in ClinVar's aggregate classification.

Dr. Peter K. Rogan Lab, Western University
No classification provided (evidence only). Condition: Lung cancer. Review status: no classification provided. Collection method: in vitro. Allele origin: not applicable. Functional consequence: retained intron. Not counted in ClinVar's aggregate classification.

Dr. Peter K. Rogan Lab, Western University
No classification provided (evidence only). Condition: Lung cancer. Review status: no classification provided. Collection method: in vitro. Allele origin: not applicable. Functional consequence: retained intron. Not counted in ClinVar's aggregate classification.

Dr. Peter K. Rogan Lab, Western University
No classification provided (evidence only). Condition: Lung cancer. Review status: no classification provided. Collection method: in vitro. Allele origin: not applicable. Functional consequence: retained intron. Not counted in ClinVar's aggregate classification.

Dr. Peter K. Rogan Lab, Western University
No classification provided (evidence only). Condition: Melanoma. Review status: no classification provided. Collection method: in vitro. Allele origin: not applicable. Functional consequence: retained intron. Not counted in ClinVar's aggregate classification.

Dr. Peter K. Rogan Lab, Western University
No classification provided (evidence only). Condition: Melanoma. Review status: no classification provided. Collection method: in vitro. Allele origin: not applicable. Functional consequence: retained intron. Not counted in ClinVar's aggregate classification.

Dr. Peter K. Rogan Lab, Western University
No classification provided (evidence only). Condition: Melanoma. Review status: no classification provided. Collection method: in vitro. Allele origin: not applicable. Functional consequence: retained intron. Not counted in ClinVar's aggregate classification.

Dr. Peter K. Rogan Lab, Western University
No classification provided (evidence only). Condition: Melanoma. Review status: no classification provided. Collection method: in vitro. Allele origin: not applicable. Functional consequence: retained intron. Not counted in ClinVar's aggregate classification.

Dr. Peter K. Rogan Lab, Western University
No classification provided (evidence only). Condition: Melanoma. Review status: no classification provided. Collection method: in vitro. Allele origin: not applicable. Functional consequence: retained intron. Not counted in ClinVar's aggregate classification.

Dr. Peter K. Rogan Lab, Western University
No classification provided (evidence only). Condition: Familial cancer of breast. Review status: no classification provided. Collection method: in vitro. Allele origin: not applicable. Functional consequence: retained intron. Not counted in ClinVar's aggregate classification.

Dr. Peter K. Rogan Lab, Western University
No classification provided (evidence only). Condition: Familial cancer of breast. Review status: no classification provided. Collection method: in vitro. Allele origin: not applicable. Functional consequence: retained intron. Not counted in ClinVar's aggregate classification.

Dr. Peter K. Rogan Lab, Western University
No classification provided (evidence only). Condition: Familial cancer of breast. Review status: no classification provided. Collection method: in vitro. Allele origin: not applicable. Functional consequence: retained intron. Not counted in ClinVar's aggregate classification.

Dr. Peter K. Rogan Lab, Western University
No classification provided (evidence only). Condition: Familial cancer of breast. Review status: no classification provided. Collection method: in vitro. Allele origin: not applicable. Functional consequence: retained intron. Not counted in ClinVar's aggregate classification.

Dr. Peter K. Rogan Lab, Western University
No classification provided (evidence only). Condition: Familial cancer of breast. Review status: no classification provided. Collection method: in vitro. Allele origin: not applicable. Functional consequence: retained intron. Not counted in ClinVar's aggregate classification.

Dr. Peter K. Rogan Lab, Western University
No classification provided (evidence only). Condition: Acute myeloid leukemia. Review status: no classification provided. Collection method: in vitro. Allele origin: not applicable. Functional consequence: retained intron. Not counted in ClinVar's aggregate classification.

Dr. Peter K. Rogan Lab, Western University
No classification provided (evidence only). Condition: Acute myeloid leukemia. Review status: no classification provided. Collection method: in vitro. Allele origin: not applicable. Functional consequence: retained intron. Not counted in ClinVar's aggregate classification.

Dr. Peter K. Rogan Lab, Western University
No classification provided (evidence only). Condition: Acute myeloid leukemia. Review status: no classification provided. Collection method: in vitro. Allele origin: not applicable. Functional consequence: retained intron. Not counted in ClinVar's aggregate classification.